The following is an entry in ClinVar:

NM_020708.5(SLC12A5):c.1689-7G>A

Gene: SLC12A5 (solute carrier family 12 member 5; plus strand). Cytogenetic location: 20q13.12.
Variant type: single nucleotide variant.
Coding change: c.1689-7G>A on transcript NM_020708.5 (MANE Select); 7 bases into the intron before coding-DNA position 1689, G replaced by A.
Molecular consequence: intron variant.
Genome position (GRCh38, 1-based): chr20:46,046,331, G>A. VCF-style: chr20-46046331-G-A. GRCh37 (hg19) VCF-style: chr20-44674970-G-A.
Other names: c.1758-7G>A (NM_001134771.2).
Identifiers: ClinVar variation 931283 (VCV000931283.11), dbSNP rs2084595386, ClinGen allele CA1139666712.

ClinVar aggregate classification (germline): Conflicting classifications of pathogenicity. Review status: criteria provided, conflicting classifications (1 of 4 stars). 2 submissions from 2 submitters: Uncertain significance (1); Likely benign (1). Last evaluated 2024-02-05.

Conditions:
Developmental and epileptic encephalopathy, 34 (DEE34). Also called: Early infantile epileptic encephalopathy 34; SLC12A5-Related Epilepsy of Infancy with Migrating Focal Seizures. Identifiers: Orphanet 293181, MedGen C4225257, MONDO:0014718, OMIM 616645.

Submissions (2):

Labcorp Genetics (formerly Invitae), Labcorp
Classification: Likely benign for Developmental and epileptic encephalopathy, 34. Last evaluated: 2024-02-05. Review status: criteria provided, single submitter. Criteria: Invitae Variant Classification Sherloc (09022015). Collection method: clinical testing. Allele origin: germline.

Centre for Mendelian Genomics, University Medical Centre Ljubljana
Classification: Uncertain significance for Developmental and epileptic encephalopathy, 34. Last evaluated: 2020-04-02. Review status: criteria provided, single submitter. Criteria: ACMG Guidelines, 2015. Collection method: clinical testing. Allele origin: unknown. Affected: yes.
Comment: This variant was classified as: Uncertain significance. The available evidence on this variant's pathogenicity is insufficient or conflicting. The following ACMG criteria were applied in classifying this variant: PM2.